The following is an entry in ClinVar:

NM_003742.4(ABCB11):c.3512T>C (p.Met1171Thr)

Gene: ABCB11 (ATP binding cassette subfamily B member 11; minus strand). Cytogenetic location: 2q31.1.
Variant type: single nucleotide variant.
Coding change: c.3512T>C on transcript NM_003742.4 (MANE Select); coding-DNA position 3512, T replaced by C.
Protein change: p.Met1171Thr; replaces methionine 1171 with threonine.
Molecular consequence: missense variant.
Genome position (GRCh38, 1-based): chr2:168,927,262, A>G on the plus strand (T>C on the coding strand, the complement: ABCB11 is on the minus strand). VCF-style: chr2-168927262-A-G. GRCh37 (hg19) VCF-style: chr2-169783772-A-G.
Other names: p.Met1171Thr; c.3512T>C, p.Met1171Thr (LRG_1199t1); short protein forms M1171T.
Identifiers: ClinVar variation 284723 (VCV000284723.27), dbSNP rs183621659, ClinGen allele CA1951001.

ClinVar aggregate classification (germline): Conflicting classifications of pathogenicity. Review status: criteria provided, conflicting classifications (1 of 4 stars). 7 submissions from 7 submitters: Uncertain significance (3); Likely benign (1). 3 of the submissions do not count toward it. Last evaluated 2026-01-27.

Conditions:
ABCB11-related disorder. Also called: ABCB11-related condition.
Progressive familial intrahepatic cholestasis type 2. Identifiers: Orphanet 79304, MedGen C3489789, MONDO:0011156, OMIM 601847.

Allele frequency attached by ClinVar (database versions not stated): gnomAD exomes 0.00016; ExAC 0.00018; 1000 Genomes Project 0.00040; 1000 Genomes Project 30x 0.00047; gnomAD 0.00067 and 0.00071; ESP Exome Variant Server 0.00083; TOPMed 0.00087.

Submissions (7):

Labcorp Genetics (formerly Invitae), Labcorp
Classification: Likely benign. Last evaluated: 2026-01-27. Review status: criteria provided, single submitter. Criteria: Invitae Variant Classification Sherloc (09022015). Collection method: clinical testing. Allele origin: germline.

Mayo Clinic Laboratories, Mayo Clinic
Classification: Uncertain significance. Last evaluated: 2021-09-14. Review status: criteria provided, single submitter. Criteria: ACMG Guidelines, 2015. Collection method: clinical testing. Allele origin: germline.

Illumina Laboratory Services, Illumina
Classification: Uncertain significance for Progressive familial intrahepatic cholestasis type 2. Last evaluated: 2018-01-13. Review status: criteria provided, single submitter. Criteria: ICSL Variant Classification Criteria 13 December 2019. Collection method: clinical testing. Allele origin: germline.

Eurofins Ntd Llc (ga)
Classification: Uncertain significance. Last evaluated: 2017-10-02. Review status: criteria provided, single submitter. Criteria: EGL Classification Definitions 2015. Collection method: clinical testing. Allele origin: germline. Observed: 7 variant alleles, 7 heterozygotes.

PreventionGenetics, part of Exact Sciences
Classification: Likely benign for ABCB11-related condition. Last evaluated: 2022-02-09. Review status: no assertion criteria provided. Collection method: clinical testing. Allele origin: germline. Not counted in ClinVar's aggregate classification.
Comment: This variant is classified as likely benign based on ACMG/AMP sequence variant interpretation guidelines (Richards et al. 2015 PMID: 25741868, with internal and published modifications).

Natera, Inc.
Classification: Uncertain significance for Progressive familial intrahepatic cholestasis type 2. Last evaluated: 2019-10-28. Review status: no assertion criteria provided. Collection method: clinical testing. Allele origin: germline. Not counted in ClinVar's aggregate classification.

Department of Pathology and Laboratory Medicine, Sinai Health System
Classification: Uncertain significance. Review status: no assertion criteria provided. Collection method: clinical testing. Allele origin: unknown. Affected: yes. Study: The Canadian Open Genetics Repository (COGR). Not counted in ClinVar's aggregate classification.
Comment: The ABCB11 p.Met1171Thr variant was not identified in the literature nor was it identified in LOVD 3.0. The variant was identified in dbSNP (ID: rs183621659) and ClinVar (classified as uncertain significance by EGL Genetic Diagnostics and likely benign by Invitae). The variant was identified in control databases in 57 of 280648 chromosomes at a frequency of 0.0002031 (Genome Aggregation Database March 6, 2019, v2.1.1). The variant was observed in the following populations: African in 55 of 24192 chromosomes (freq: 0.002273), Other in 1 of 7140 chromosomes (freq: 0.00014), Latino in 1 of 35376 chromosomes (freq: 0.000028), but was not observed in the Ashkenazi Jewish, East Asian, European (Finnish), European (non-Finnish), or South Asian populations. The p.Met1171Thr residue is not conserved in mammals and four out of five computational analyses (PolyPhen-2, SIFT, AlignGVGD, BLOSUM, MutationTaster) do not suggest a high likelihood of impact to the protein; however, this information is not predictive enough to rule out pathogenicity. The variant occurs outside of the splicing consensus sequence and in silico or computational prediction software programs (SpliceSiteFinder, MaxEntScan, NNSPLICE, GeneSplicer) do not predict a difference in splicing. In summary, based on the above information the clinical significance of this variant cannot be determined with certainty at this time. This variant is classified as a variant of uncertain significance.